The following is an entry in ClinVar:

GRCh38/hg38 11q13.4(chr11:71164008-72309374)x3

Genes: ACTE1P (actin epsilon 1, pseudogene; minus strand), ANAPC15 (anaphase promoting complex subunit 15; minus strand), CLPB (ClpB family mitochondrial disaggregase; minus strand), DEFB108B (defensin beta 108B; plus strand), DEFB131B (defensin beta 131B; plus strand) and 65 more. Cytogenetic location: 11q13.4.
Variant type: copy number gain.
Change: copy number 3 (three copies instead of two) of chr11:71,164,008-72,309,374 (1.15 Mb, GRCh38 coordinates, 1-based), cytogenetic band 11q13.4.
Identifiers: ClinVar variation 58164 (VCV000058164.1).

ClinVar aggregate classification (germline): Uncertain significance (1 of 4 stars; one submission).

Submission:

ISCA site 14
Classification: Uncertain significance. Last evaluated: 2011-08-12. Review status: criteria provided, single submitter. Criteria: Kaminsky et al. (Genet Med. 2011). Collection method: clinical testing. Allele origin: unknown. Affected: yes. Observed: 1 variant allele.
Comment: Copy number variation identified through the course of routine clinical cytogenomic testing in postnatal populations. Clinical assertions have been curated as described in Kaminsky et al. 2011.